The following is an entry in ClinVar:

ClinVar aggregate classification (germline): Uncertain significance. Review status: criteria provided, multiple submitters, no conflicts (2 of 4 stars). 3 submissions from 3 submitters: Uncertain significance (3). Last evaluated 2026-02-24.

Conditions:
Hereditary cancer-predisposing syndrome. Also called: Neoplastic Syndromes, Hereditary; Hereditary neoplastic syndrome; Tumor predisposition; Hereditary Cancer Syndrome. Identifiers: Orphanet 140162, MedGen C0027672, MeSH D009386, MONDO:0015356.
Familial cancer of breast. Also called: Hereditary breast cancer; BREAST CANCER, FAMILIAL; hereditary breast carcinoma. Identifiers: Orphanet 227535, MedGen C0346153, MONDO:0016419, OMIM 114480. Disease mechanism: loss of function.

Allele frequency attached by ClinVar (database versions not stated): gnomAD exomes below 0.00001.
gnomAD v4.1: 1 of 1,613,112 alleles (0.000062%); highest among the groups gnomAD compares: Non-Finnish European, 0.000085%; no homozygotes.

Submissions (3):

Ambry Genetics
Classification: Uncertain significance for Hereditary cancer-predisposing syndrome. Last evaluated: 2026-02-24. Review status: criteria provided, single submitter. Criteria: Ambry Variant Classification Scheme 2023. Collection method: clinical testing. Allele origin: germline.
Comment: The p.L332F variant (also known as c.994C>T), located in coding exon 4 of the PALB2 gene, results from a C to T substitution at nucleotide position 994. The leucine at codon 332 is replaced by phenylalanine, an amino acid with highly similar properties. This amino acid position is conserved. In addition, this alteration is predicted to be tolerated by in silico analysis. Based on the available evidence, the clinical significance of this variant remains unclear.

GeneDx
Classification: Uncertain significance. Last evaluated: 2022-10-27. Review status: criteria provided, single submitter. Criteria: GeneDx Variant Classification Process June 2021. Collection method: clinical testing. Allele origin: germline. Affected: yes.
Comment: Not observed at significant frequency in large population cohorts (gnomAD); In silico analysis supports that this missense variant does not alter protein structure/function; Has not been previously published as pathogenic or benign to our knowledge

Labcorp Genetics (formerly Invitae), Labcorp
Classification: Uncertain significance for Familial cancer of breast. Last evaluated: 2020-02-14. Review status: criteria provided, single submitter. Criteria: Invitae Variant Classification Sherloc (09022015). Collection method: clinical testing. Allele origin: germline.
Comment: This sequence change replaces leucine with phenylalanine at codon 332 of the PALB2 protein (p.Leu332Phe). The leucine residue is moderately conserved and there is a small physicochemical difference between leucine and phenylalanine. This variant is not present in population databases (ExAC no frequency). In summary, the available evidence is currently insufficient to determine the role of this variant in disease. Therefore, it has been classified as a Variant of Uncertain Significance. Algorithms developed to predict the effect of missense changes on protein structure and function output the following: SIFT: "Tolerated"; PolyPhen-2: "Benign"; Align-GVGD: "Class C0". The phenylalanine amino acid residue is found in multiple mammalian species, suggesting that this missense change does not adversely affect protein function. These predictions have not been confirmed by published functional studies and their clinical significance is uncertain. This variant has not been reported in the literature in individuals with PALB2-related disease.

NM_024675.4(PALB2):c.994C>T (p.Leu332Phe)

Gene: PALB2 (partner and localizer of BRCA2; minus strand). Cytogenetic location: 16p12.2.
Variant type: single nucleotide variant.
Coding change: c.994C>T on transcript NM_024675.4 (MANE Select); coding-DNA position 994, C replaced by T.
Protein change: p.Leu332Phe; replaces leucine 332 with phenylalanine.
Molecular consequence: missense variant.
Genome position (GRCh38, 1-based): chr16:23,635,552, G>A on the plus strand (C>T on the coding strand, the complement: PALB2 is on the minus strand). VCF-style: chr16-23635552-G-A. GRCh37 (hg19) VCF-style: chr16-23646873-G-A.
Other names: short protein forms L332F.
Identifiers: ClinVar variation 565864 (VCV000565864.13), dbSNP rs1567221866, ClinGen allele CA395134676.